The following is an entry in ClinVar:

NM_000548.5(TSC2):c.1169C>T (p.Thr390Met)

Gene: TSC2 (TSC complex subunit 2; plus strand). Cytogenetic location: 16p13.3.
Variant type: single nucleotide variant.
Coding change: c.1169C>T on transcript NM_000548.5 (MANE Select); coding-DNA position 1169, C replaced by T.
Protein change: p.Thr390Met; replaces threonine 390 with methionine.
Molecular consequence: missense variant.
Genome position (GRCh38, 1-based): chr16:2,061,920, C>T. VCF-style: chr16-2061920-C-T. GRCh37 (hg19) VCF-style: chr16-2111921-C-T.
Other names: c.1169C>T, p.Thr390Met (NM_001077183.3, NM_001114382.3, NM_001363528.2 and 3 more transcripts); c.1058C>T, p.Thr353Met (NM_001318827.2); c.1022C>T, p.Thr341Met (NM_001318829.2); c.569C>T, p.Thr190Met (NM_001318831.2); c.1202C>T, p.Thr401Met (NM_001318832.2); short protein forms T190M, T390M, T401M, T341M, T353M.
Identifiers: ClinVar variation 818478 (VCV000818478.16), dbSNP rs1596303442, ClinGen allele CA394320314.

ClinVar aggregate classification (germline): Conflicting classifications of pathogenicity. Review status: criteria provided, conflicting classifications (1 of 4 stars). 4 submissions from 4 submitters: Uncertain significance (3); Benign (1). Last evaluated 2025-10-01.

Conditions:
Hereditary cancer-predisposing syndrome. Also called: Hereditary Cancer Syndrome; Neoplastic Syndromes, Hereditary; Hereditary neoplastic syndrome; Tumor predisposition. Identifiers: Orphanet 140162, MedGen C0027672, MeSH D009386, MONDO:0015356.
Tuberous sclerosis syndrome (TSC). Also called: Tuberous Sclerosis Complex; Tuberous sclerosis. Identifiers: Orphanet 805, MedGen C0041341, MONDO:0001734.
Tuberous sclerosis 2 (TSC2). Identifiers: Orphanet 805, MedGen C1860707, MONDO:0013199, OMIM 613254.

Allele frequency attached by ClinVar (database versions not stated): gnomAD exomes below 0.00001; gnomAD 0.00001.
gnomAD v4.1: 6 of 1,614,086 alleles (0.00037%); highest among the groups gnomAD compares: East Asian, 0.0022%; no homozygotes.

Submissions (4):

Labcorp Genetics (formerly Invitae), Labcorp
Classification: Benign for Tuberous sclerosis 2. Last evaluated: 2025-10-01. Review status: criteria provided, single submitter. Criteria: Invitae Variant Classification Sherloc (09022015). Collection method: clinical testing. Allele origin: germline.

Ambry Genetics
Classification: Uncertain significance for Hereditary cancer-predisposing syndrome. Last evaluated: 2024-12-11. Review status: criteria provided, single submitter. Criteria: Ambry Variant Classification Scheme 2023. Collection method: clinical testing. Allele origin: germline.
Comment: The p.T390M variant (also known as c.1169C>T), located in coding exon 11 of the TSC2 gene, results from a C to T substitution at nucleotide position 1169. The threonine at codon 390 is replaced by methionine, an amino acid with similar properties. This amino acid position is highly conserved in available vertebrate species. In addition, the in silico prediction for this alteration is inconclusive. Based on the available evidence, the clinical significance of this variant remains unclear.

All of Us Research Program, National Institutes of Health
Classification: Uncertain significance for Tuberous sclerosis syndrome. Last evaluated: 2023-12-13. Review status: criteria provided, single submitter. Criteria: ACMG Guidelines, 2015. Collection method: clinical testing. Allele origin: germline. Inheritance: Autosomal dominant inheritance. Observed: 1 variant allele, 1 heterozygote.
Comment: This missense variant replaces threonine with methionine at codon 390 of the TSC2 protein. Computational prediction is inconclusive regarding the impact of this variant on protein structure and function (internally defined REVEL score threshold 0.5 < inconclusive < 0.7, PMID: 27666373). To our knowledge, functional studies have not been reported for this variant. This variant has not been reported in individuals affected with tuberous sclerosis complex in the literature. This variant has not been identified in the general population by the Genome Aggregation Database (gnomAD). The available evidence is insufficient to determine the role of this variant in disease conclusively. Therefore, this variant is classified as a Variant of Uncertain Significance.

This study involves interpretation of variants in research participants for the purpose of population health screening. Participant phenotype was not available at the time of variant classification. Additional details can be found in publication PMID: 35346344, PMCID: PMC8962531

Genome-Nilou Lab
Classification: Uncertain significance for Tuberous sclerosis 2. Last evaluated: 2021-11-07. Review status: criteria provided, single submitter. Criteria: ACMG Guidelines, 2015. Collection method: clinical testing. Allele origin: germline. Affected: no.